The following is an entry in ClinVar:

NM_198428.2(BBS9):c.(?_-1)_328+?del

Gene: BBS9 (Bardet-Biedl syndrome 9; plus strand). Cytogenetic location: 7p14.3.
Variant type: Deletion.
Identifiers: ClinVar variation 216143 (VCV000216143.1).

ClinVar aggregate classification (germline): Pathogenic (1 of 4 stars; one submission).

Conditions:
Bardet-Biedl syndrome (BBS). Identifiers: Orphanet 110, MedGen C0752166, MONDO:0015229.

Submission:

Labcorp Genetics (formerly Invitae), Labcorp
Classification: Pathogenic for Bardet-Biedl syndrome. Last evaluated: 2015-09-02. Review status: criteria provided, single submitter. Criteria: Invitae Variant Classification Sherloc (09022015). Collection method: clinical testing. Allele origin: germline.
Comment: This variant is a gross deletion of the genomic region encompassing exons 2-4 of the BBS9 gene. The 3' boundary is likely confined to the intronic region between exons 4 and 5; the 5' end of this event is unknown as it extends to the edge of the assayed region and may encompass additional genes. While this particular variant has not been reported in the literature, exon deletions of BBS9 are known to be pathogenic (PMID: 20177705, 22353939). This deletion is also predicted to eliminate the translation start codon of the BBS9 mRNA and result in an absent or truncated protein. For these reasons, this variant has been classified as Pathogenic.